The following is an entry in ClinVar:

ClinVar aggregate classification (germline): Benign (1 of 4 stars; one submission).

Allele frequency attached by ClinVar (database versions not stated): gnomAD 0.16121 and 0.16273; TOPMed 0.16147; 1000 Genomes Project 0.17412; 1000 Genomes Project 30x 0.18036.
gnomAD v4.1: 24,327 of 151,802 alleles (16%); highest among the groups gnomAD compares: African/African-American, 28%; 2,524 homozygotes.

Submission:

GeneDx
Classification: Benign. Last evaluated: 2018-06-14. Review status: criteria provided, single submitter. Criteria: GeneDx Variant Classification (06012015). Collection method: clinical testing. Allele origin: germline. Affected: yes.
Comment: This variant is considered likely benign or benign based on one or more of the following criteria: it is a conservative change, it occurs at a poorly conserved position in the protein, it is predicted to be benign by multiple in silico algorithms, and/or has population frequency not consistent with disease.

NM_000540.3(RYR1):c.7615-237A>C

Gene: RYR1 (ryanodine receptor 1; plus strand). Cytogenetic location: 19q13.2.
Variant type: single nucleotide variant.
Coding change: c.7615-237A>C on transcript NM_000540.3 (MANE Select); 237 bases into the intron before coding-DNA position 7615, A replaced by C.
Molecular consequence: intron variant.
Genome position (GRCh38, 1-based): chr19:38,502,270, A>C. VCF-style: chr19-38502270-A-C. GRCh37 (hg19) VCF-style: chr19-38992910-A-C.
Other names: c.7615-237A>C (NM_001042723.2).
Identifiers: ClinVar variation 669199 (VCV000669199.1), dbSNP rs2915947, ClinGen allele CA14744755.